The following is an entry in ClinVar:

ClinVar aggregate classification (germline): Uncertain significance (1 of 4 stars; one submission).

Conditions:
Combined immunodeficiency due to DOCK8 deficiency (HIES2). Also called: HYPER-IgE RECURRENT INFECTION SYNDROME 2, AUTOSOMAL RECESSIVE; HYPER-IgE SYNDROME 2, AUTOSOMAL RECESSIVE, WITH RECURRENT INFECTIONS; HIES autosomal recessive; DOCK8 Deficiency; Hyper-IgE recurrent infection syndrome, autosomal recessive. Identifiers: Orphanet 217390, MedGen C4722305, MONDO:0009478, OMIM 243700.

Submission:

Labcorp Genetics (formerly Invitae), Labcorp
Classification: Uncertain significance for Combined immunodeficiency due to DOCK8 deficiency. Last evaluated: 2022-04-19. Review status: criteria provided, single submitter. Criteria: Invitae Variant Classification Sherloc (09022015). Collection method: clinical testing. Allele origin: germline.
Comment: This variant results in a copy number gain of the genomic region encompassing exon(s) 5-48 of the DOCK8 gene. This region includes the termination codon of the gene. This copy number gain extends beyond the assayed region for this gene and therefore may encompass additional genes. As the precise location of this event is unknown, it may be in tandem or it may be located elsewhere in the genome. This variant has not been reported in the literature in individuals affected with DOCK8-related conditions. Experimental studies and prediction algorithms are not available or were not evaluated, and the functional significance of this variant is currently unknown. In summary, the available evidence is currently insufficient to determine the role of this variant in disease. Therefore, it has been classified as a Variant of Uncertain Significance.

NC_000009.11:g.(?_304561)_(464219_?)dup

Gene: DOCK8 (dedicator of cytokinesis 8; plus strand). Cytogenetic location: 9p24.3.
Variant type: Duplication.
Identifiers: ClinVar variation 1413029 (VCV001413029.8).